The following is an entry in ClinVar:

NM_003722.5(TP63):c.1676CAT[1] (p.Ser560del)

Gene: TP63 (tumor protein p63; plus strand). Cytogenetic location: 3q28.
Variant type: Microsatellite.
Coding change: c.1676CAT[1] on transcript NM_003722.5 (MANE Select); one copy of the 3-base unit CAT starting at c.1676; the reference has two copies in a row; one copy, 3 bases deleted; also written c.1679_1681del.
Protein change: p.Ser560del; deletes serine 560.
Molecular consequence: intron variant (on NM_001114978.2).
Genome position (GRCh38, 1-based): chr3:189,890,815-189,890,817, CAT deleted; deleting any 3 consecutive bases within chr3:189,890,811-189,890,817 gives the same sequence; the position shown is the placement nearest the transcript's 3' end. VCF-style (leftmost placement, unchanged base first): chr3-189890810-TTCA-T. GRCh37 (hg19) VCF-style: chr3-189608599-TTCA-T.
Other names: c.1679_1681del (NM_003722.5); c.1652+1331_1652+1333del (NM_001114978.2); c.1508-3391_1508-3389del (NM_001329144.2); c.1370+1331_1370+1333del (NM_001114981.2); c.1226-3391_1226-3389del (NM_001329145.2); c.1214-3391_1214-3389del (NM_001329149.2); c.959-3391_959-3389del (NM_001329150.2); c.1394CAT[1], p.Ser466del (NM_001114980.2); and 3 more; short protein forms S466del, S558del, S381del, S556del, S560del.
Identifiers: ClinVar variation 4974481 (VCV004974481.1).

ClinVar aggregate classification (germline): Likely pathogenic (1 of 4 stars; one submission).

Conditions:
ADULT syndrome. Also called: ACRO-DERMATO-UNGUAL-LACRIMAL-TOOTH SYNDROME; Acro-Dermo-Ungual-Lacrimal-Tooth Syndrome (ADULT Syndrome); Acro-dermato-ungual-lacrimal-tooth (adult) syndrome. Identifiers: Orphanet 978, MedGen C1863204, MONDO:0007072, OMIM 103285.

Submission:

Lupski Lab, Baylor-Hopkins CMG, Baylor College of Medicine
Classification: Likely pathogenic for ADULT syndrome. Last evaluated: 2026-06-11. Review status: criteria provided, single submitter. Criteria: ACMG Guidelines, 2015. Collection method: research. Allele origin: germline. Inheritance: Autosomal dominant inheritance. Affected: yes. Observed: 3 variant alleles, 3 heterozygotes. Clinical features observed: Decreased lacrimation (HP:0000633), Dry skin (HP:0000958), Scaling skin (HP:0040189), Sparse eyelashes (HP:0000653), Sparse eyebrow (HP:0045075), Sparse body hair (HP:0002231), Brittle hair (HP:0002299), Sparse scalp hair (HP:0002209), Abnormal toenail morphology (HP:0008388), Abnormal fingernail morphology (HP:0001231), Concave nail (HP:0001598), Thin fingernail (HP:0012742), and 16 more. Segregation with disease observed.
Comment: This c.1679_1681del variant segregates with disease in a family with 3 individuals affected by Ectodermal dysplasia (PP1_Supporting= +1pt). According to Varsome, this variant occurs within a mutational hotspot 19 amino acids long, that includes 11 pathogenic variants, 7 VUS, and 0 benign variants (PM1_Strong= +4pts). The protein coding length changes as a result of an in frame variant, and this is not within a repetitive region (PM4_Moderate= +2pts). This variant is absent in gnomAD (PM2_Supporting= +1pt). 8 pts (PP1 +1, PM1 +4, PM4 +2, PM2 +1).